The following is an entry in ClinVar:

NM_004586.3(RPS6KA3):c.2000G>A (p.Arg667Lys)

Gene: RPS6KA3 (ribosomal protein S6 kinase A3; minus strand). Cytogenetic location: Xp22.12.
Variant type: single nucleotide variant.
Coding change: c.2000G>A on transcript NM_004586.3 (MANE Select); coding-DNA position 2000, G replaced by A.
Protein change: p.Arg667Lys; replaces arginine 667 with lysine.
Molecular consequence: missense variant.
Genome position (GRCh38, 1-based): chrX:20,156,209, C>T on the plus strand (G>A on the coding strand, the complement: RPS6KA3 is on the minus strand). VCF-style: chrX-20156209-C-T. GRCh37 (hg19) VCF-style: chrX-20174327-C-T.
Other names: short protein forms R667K.
Identifiers: ClinVar variation 2951274 (VCV002951274.3), dbSNP rs2519573381, ClinGen allele CA412512705.

ClinVar aggregate classification (germline): Uncertain significance (1 of 4 stars; one submission).

Conditions:
Intellectual developmental disorder, X-linked 19. Also called: Intellectual disability, X-linked 19. Identifiers: Orphanet 777, MedGen C0796225, MONDO:0010447, OMIM 300844.
Coffin-Lowry syndrome (CLS). Also called: COFFIN-LOWRY SYNDROME, MILD; Mental retardation with osteocartilaginous abnormalities. Identifiers: Orphanet 192, MedGen C0265252, MONDO:0010561, OMIM 303600.

Submission:

Labcorp Genetics (formerly Invitae), Labcorp
Classification: Uncertain significance for Coffin-Lowry syndrome; Intellectual developmental disorder, X-linked 19. Last evaluated: 2023-11-06. Review status: criteria provided, single submitter. Criteria: Invitae Variant Classification Sherloc (09022015). Collection method: clinical testing. Allele origin: germline.
Comment: This sequence change replaces arginine, which is basic and polar, with lysine, which is basic and polar, at codon 667 of the RPS6KA3 protein (p.Arg667Lys). This variant is not present in population databases (gnomAD no frequency). This variant has not been reported in the literature in individuals affected with RPS6KA3-related conditions. Advanced modeling of protein sequence and biophysical properties (such as structural, functional, and spatial information, amino acid conservation, physicochemical variation, residue mobility, and thermodynamic stability) performed at Invitae indicates that this missense variant is expected to disrupt RPS6KA3 protein function with a positive predictive value of 95%. In summary, the available evidence is currently insufficient to determine the role of this variant in disease. Therefore, it has been classified as a Variant of Uncertain Significance.